The following is an entry in ClinVar:

ClinVar aggregate classification (germline): Uncertain significance. Review status: criteria provided, multiple submitters, no conflicts (2 of 4 stars). 2 submissions from 2 submitters: Uncertain significance (2). Last evaluated 2025-07-07.

Allele frequency attached by ClinVar (database versions not stated): gnomAD exomes 0.00001; gnomAD 0.00007; TOPMed 0.00013; ExAC 0.00001; 1000 Genomes Project 30x 0.00016; 1000 Genomes Project 0.00020.
gnomAD v4.1: 17 of 1,614,014 alleles (0.0011%); highest among the groups gnomAD compares: Admixed American, 0.02%; no homozygotes.

Submissions (2):

Labcorp Genetics (formerly Invitae), Labcorp
Classification: Uncertain significance. Last evaluated: 2025-07-07. Review status: criteria provided, single submitter. Criteria: Invitae Variant Classification Sherloc (09022015). Collection method: clinical testing. Allele origin: germline.
Comment: This sequence change replaces lysine, which is basic and polar, with glutamic acid, which is acidic and polar, at codon 323 of the DGKZ protein (p.Lys323Glu). This variant is present in population databases (rs545678454, gnomAD 0.01%). This variant has not been reported in the literature in individuals affected with DGKZ-related conditions. ClinVar contains an entry for this variant (Variation ID: 2494437). An algorithm developed to predict the effect of missense changes on protein structure and function (PolyPhen-2) suggests that this variant is likely to be disruptive. In summary, the available evidence is currently insufficient to determine the role of this variant in disease. Therefore, it has been classified as a Variant of Uncertain Significance.

Ambry Genetics
Classification: Uncertain significance. Last evaluated: 2025-06-23. Review status: criteria provided, single submitter. Criteria: Ambry Variant Classification Scheme 2023. Collection method: clinical testing. Allele origin: germline.

NM_001199267.2(DGKZ):c.400A>G (p.Lys134Glu)

Gene: DGKZ (diacylglycerol kinase zeta; plus strand). Cytogenetic location: 11p11.2.
Variant type: single nucleotide variant.
Coding change: c.400A>G on transcript NM_001199267.2 (MANE Select); coding-DNA position 400, A replaced by G.
Protein change: p.Lys134Glu; replaces lysine 134 with glutamic acid.
Molecular consequence: missense variant.
Genome position (GRCh38, 1-based): chr11:46,368,038, A>G. VCF-style: chr11-46368038-A-G. GRCh37 (hg19) VCF-style: chr11-46389588-A-G.
Other names: c.967A>G, p.Lys323Glu (NM_001105540.2); c.403A>G, p.Lys135Glu (NM_001199266.2, NM_001199268.2, NM_003646.4); c.451A>G, p.Lys151Glu (NM_201532.3); c.415A>G, p.Lys139Glu (NM_201533.3); short protein forms K323E, K134E, K135E, K139E, K151E.
Identifiers: ClinVar variation 2494437 (VCV002494437.6), dbSNP rs545678454, ClinGen allele CA5962365.
Genomic context (GRCh38, chr11:46,368,038, plus strand): 5'-GGGCCCTCTCTTCCTGTCCTGCAGCAGAAGTCAGTGTCTCGAAGAAAGTGCGCAGCCTGC[A>G]AGATTGTGGTGCACACGCCCTGCATCGAGCAGCTGGAGAAGGTGGGTGGGTAGCTCAGCT-3'
Protein context (NP_001186196.1, residues 124-144): SVSRRKCAAC[Lys134Glu]IVVHTPCIEQ